The following is an entry in ClinVar:

ClinVar aggregate classification (germline): Uncertain significance (1 of 4 stars; one submission).

Allele frequency attached by ClinVar (database versions not stated): ExAC 0.00001; gnomAD 0.00001.
gnomAD v4.1: 7 of 1,610,930 alleles (0.00043%); highest among the groups gnomAD compares: African/African-American, 0.0013%; no homozygotes.

Submission:

Labcorp Genetics (formerly Invitae), Labcorp
Classification: Uncertain significance. Last evaluated: 2022-08-28. Review status: criteria provided, single submitter. Criteria: Invitae Variant Classification Sherloc (09022015). Collection method: clinical testing. Allele origin: germline.
Comment: This variant has not been reported in the literature in individuals affected with RP1-related conditions. This sequence change replaces glutamine, which is neutral and polar, with lysine, which is basic and polar, at codon 766 of the RP1 protein (p.Gln766Lys). This variant is present in population databases (rs775731489, gnomAD 0.004%). Algorithms developed to predict the effect of missense changes on protein structure and function output the following: SIFT: "Tolerated"; PolyPhen-2: "Benign"; Align-GVGD: "Class C0". The lysine amino acid residue is found in multiple mammalian species, which suggests that this missense change does not adversely affect protein function. In summary, the available evidence is currently insufficient to determine the role of this variant in disease. Therefore, it has been classified as a Variant of Uncertain Significance.

NM_006269.2(RP1):c.2296C>A (p.Gln766Lys)

Gene: RP1 (RP1 axonemal microtubule associated; plus strand). Cytogenetic location: 8q12.1.
Variant type: single nucleotide variant.
Coding change: c.2296C>A on transcript NM_006269.2 (MANE Select); coding-DNA position 2296, C replaced by A.
Protein change: p.Gln766Lys; replaces glutamine 766 with lysine.
Molecular consequence: missense variant. On other transcripts: intron variant (1).
Genome position (GRCh38, 1-based): chr8:54,626,178, C>A. VCF-style: chr8-54626178-C-A. GRCh37 (hg19) VCF-style: chr8-55538738-C-A.
Other names: c.787+3890C>A (NM_001375654.1); short protein forms Q766K.
Identifiers: ClinVar variation 1964521 (VCV001964521.5), dbSNP rs775731489, ClinGen allele CA4751504.
Genomic context (GRCh38, chr8:54,626,178, plus strand): 5'-AAAAGTAATCTCAATTCCACGATTTCCAAGAATTTCCATAGAAATAAATTAAATACTACT[C>A]AAAATTCCAAGGTTCAAGGACTTTTAACCAAAAGAAAATCTAGATCACTAAATAAAATAA-3'
Protein context (NP_006260.1, residues 756-776): NFHRNKLNTT[Gln766Lys]NSKVQGLLTK